The following is an entry in ClinVar:

NM_015214.3(DDHD2):c.105C>G (p.Ser35Arg)

Gene: DDHD2 (DDHD domain containing 2; plus strand). Cytogenetic location: 8p11.23.
Variant type: single nucleotide variant.
Coding change: c.105C>G on transcript NM_015214.3 (MANE Select); coding-DNA position 105, C replaced by G.
Protein change: p.Ser35Arg; replaces serine 35 with arginine.
Molecular consequence: missense variant. On other transcripts: non-coding transcript variant (2).
Genome position (GRCh38, 1-based): chr8:38,233,099, C>G. VCF-style: chr8-38233099-C-G. GRCh37 (hg19) VCF-style: chr8-38090617-C-G.
Other names: c.105C>G, p.Ser35Arg (NM_001164232.2, NM_001164234.2, NM_001362911.2 and 3 more transcripts); short protein forms S35R.
Identifiers: ClinVar variation 943177 (VCV000943177.6), dbSNP rs1358332959, ClinGen allele CA370709965.

ClinVar aggregate classification (germline): Uncertain significance (1 of 4 stars; one submission).

Conditions:
Hereditary spastic paraplegia 54. Also called: Spastic paraplegia 54, autosomal recessive. Identifiers: Orphanet 320380, MedGen C3539495, MONDO:0014018, OMIM 615033.

Allele frequency attached by ClinVar (database versions not stated): gnomAD exomes below 0.00001.
gnomAD v4.1: 1 of 1,614,084 alleles (0.000062%); highest among the groups gnomAD compares: Admixed American, 0.0017%; no homozygotes.

Submission:

Labcorp Genetics (formerly Invitae), Labcorp
Classification: Uncertain significance for Hereditary spastic paraplegia 54. Last evaluated: 2025-01-15. Review status: criteria provided, single submitter. Criteria: Invitae Variant Classification Sherloc (09022015). Collection method: clinical testing. Allele origin: germline.
Comment: This sequence change replaces serine, which is neutral and polar, with arginine, which is basic and polar, at codon 35 of the DDHD2 protein (p.Ser35Arg). This variant is present in population databases (no rsID available, gnomAD 0.003%). This variant has not been reported in the literature in individuals affected with DDHD2-related conditions. ClinVar contains an entry for this variant (Variation ID: 943177). Invitae Evidence Modeling of protein sequence and biophysical properties (such as structural, functional, and spatial information, amino acid conservation, physicochemical variation, residue mobility, and thermodynamic stability) indicates that this missense variant is not expected to disrupt DDHD2 protein function with a negative predictive value of 80%. In summary, the available evidence is currently insufficient to determine the role of this variant in disease. Therefore, it has been classified as a Variant of Uncertain Significance.